The following is an entry in ClinVar:

ClinVar aggregate classification (germline): Benign/Likely benign. Review status: criteria provided, multiple submitters, no conflicts (2 of 4 stars). 6 submissions from 6 submitters: Benign (2); Likely benign (1). 3 of the submissions do not count toward it. Last evaluated 2026-07-01.

Conditions:
C6-related disorder. Also called: C6-related condition.

Allele frequency attached by ClinVar (database versions not stated): TOPMed 0.00191; ESP Exome Variant Server 0.00215; ExAC 0.00255; 1000 Genomes Project 0.00260; 1000 Genomes Project 30x 0.00265; gnomAD 0.00272 and 0.00277; gnomAD exomes 0.00277 and 0.00315.
gnomAD v4.1: 5,001 of 1,614,030 alleles (0.31%); highest among the groups gnomAD compares: Non-Finnish European, 0.32%; 22 homozygotes.

Submissions (6):

CeGaT Center for Human Genetics Tuebingen
Classification: Likely benign. Last evaluated: 2026-07-01. Review status: criteria provided, single submitter. Criteria: CeGaT Center For Human Genetics Tuebingen Variant Classification Criteria Version 2. Collection method: clinical testing. Allele origin: germline. Affected: yes. Observed: 4 variant alleles.
Comment: C6: BP4

Labcorp Genetics (formerly Invitae), Labcorp
Classification: Benign. Last evaluated: 2026-01-21. Review status: criteria provided, single submitter. Criteria: Invitae Variant Classification Sherloc (09022015). Collection method: clinical testing. Allele origin: germline.

Breakthrough Genomics
Classification: Benign. Review status: criteria provided, single submitter. Criteria: ACMG Guidelines, 2015. Collection method: not provided. Allele origin: germline. Inheritance: Autosomal recessive inheritance. Affected: yes.

PreventionGenetics, part of Exact Sciences
Classification: Likely benign for C6-related condition. Last evaluated: 2024-02-01. Review status: no assertion criteria provided. Collection method: clinical testing. Allele origin: germline. Not counted in ClinVar's aggregate classification.
Comment: This variant is classified as likely benign based on ACMG/AMP sequence variant interpretation guidelines (Richards et al. 2015 PMID: 25741868, with internal and published modifications).

Clinical Genetics DNA and cytogenetics Diagnostics Lab, Erasmus MC, Erasmus Medical Center
Classification: Likely benign. Review status: no assertion criteria provided. Collection method: clinical testing. Allele origin: germline. Affected: yes. Study: VKGL Data-share Consensus. Not counted in ClinVar's aggregate classification.

Genome Diagnostics Laboratory, University Medical Center Utrecht
Classification: Likely benign. Review status: no assertion criteria provided. Collection method: clinical testing. Allele origin: germline. Affected: yes. Study: VKGL Data-share Consensus. Not counted in ClinVar's aggregate classification.

NM_000065.5(C6):c.2518G>A (p.Gly840Ser)

Gene: C6 (complement C6; minus strand). Cytogenetic location: 5p13.1.
Variant type: single nucleotide variant.
Coding change: c.2518G>A on transcript NM_000065.5 (MANE Select); coding-DNA position 2518, G replaced by A.
Protein change: p.Gly840Ser; replaces glycine 840 with serine.
Molecular consequence: missense variant.
Genome position (GRCh38, 1-based): chr5:41,149,346, C>T on the plus strand (G>A on the coding strand, the complement: C6 is on the minus strand). VCF-style: chr5-41149346-C-T. GRCh37 (hg19) VCF-style: chr5-41149448-C-T.
Other names: c.2518G>A, p.Gly840Ser (NM_001115131.4); short protein forms G840S.
Identifiers: ClinVar variation 731376 (VCV000731376.27), dbSNP rs142836385, ClinGen allele CA3252089.